The following is an entry in ClinVar:

ClinVar aggregate classification (germline): Uncertain significance (1 of 4 stars; one submission).

gnomAD v4.1: 7 of 1,564,246 alleles (0.00045%); highest among the groups gnomAD compares: Admixed American, 0.0038%; no homozygotes.

Submission:

Labcorp Genetics (formerly Invitae), Labcorp
Classification: Uncertain significance. Last evaluated: 2025-11-19. Review status: criteria provided, single submitter. Criteria: Invitae Variant Classification Sherloc (09022015). Collection method: clinical testing. Allele origin: germline.
Comment: This sequence change replaces proline, which is neutral and non-polar, with serine, which is neutral and polar, at codon 46 of the MYH14 protein (p.Pro46Ser). The frequency data for this variant in the population databases is considered unreliable, as metrics indicate poor data quality at this position in the gnomAD database. This variant has not been reported in the literature in individuals affected with MYH14-related conditions. An algorithm developed to predict the effect of missense changes on protein structure and function (PolyPhen-2) suggests that this variant is likely to be tolerated. In summary, the available evidence is currently insufficient to determine the role of this variant in disease. Therefore, it has been classified as a Variant of Uncertain Significance.

NM_001145809.2(MYH14):c.136C>T (p.Pro46Ser)

Gene: MYH14 (myosin heavy chain 14; plus strand). Cytogenetic location: 19q13.33.
Variant type: single nucleotide variant.
Coding change: c.136C>T on transcript NM_001145809.2 (MANE Select); coding-DNA position 136, C replaced by T.
Protein change: p.Pro46Ser; replaces proline 46 with serine.
Molecular consequence: missense variant.
Genome position (GRCh38, 1-based): chr19:50,210,501, C>T. VCF-style: chr19-50210501-C-T. GRCh37 (hg19) VCF-style: chr19-50713758-C-T.
Other names: c.136C>T, p.Pro46Ser (NM_001077186.2, NM_024729.4); short protein forms P46S.
Identifiers: ClinVar variation 4690760 (VCV004690760.1).